The following is an entry in ClinVar:

NM_004064.5(CDKN1B):c.115G>T (p.Glu39Ter)

Gene: CDKN1B (cyclin dependent kinase inhibitor 1B; plus strand). Cytogenetic location: 12p13.1.
Variant type: single nucleotide variant.
Coding change: c.115G>T on transcript NM_004064.5 (MANE Select); coding-DNA position 115, G replaced by T.
Protein change: p.Glu39Ter; replaces glutamic acid 39 with a stop codon.
Molecular consequence: nonsense.
Genome position (GRCh38, 1-based): chr12:12,717,954, G>T. VCF-style: chr12-12717954-G-T. GRCh37 (hg19) VCF-style: chr12-12870888-G-T.
Other names: short protein forms E39*.
Identifiers: ClinVar variation 2870557 (VCV002870557.4), dbSNP rs1592280796, ClinGen allele CA383968716.

ClinVar aggregate classification (germline): Pathogenic/Likely pathogenic. Review status: criteria provided, multiple submitters, no conflicts (2 of 4 stars). 2 submissions from 2 submitters: Pathogenic (1); Likely pathogenic (1). Last evaluated 2025-10-13.

Conditions:
Multiple endocrine neoplasia type 4. Also called: MULTIPLE ENDOCRINE NEOPLASIA, TYPE IV. Identifiers: Orphanet 276152, MedGen C1970712, MONDO:0012552, OMIM 610755.
CDKN1B-related disorder. Also called: CDKN1B-related condition.

Submissions (2):

Labcorp Genetics (formerly Invitae), Labcorp
Classification: Pathogenic for Multiple endocrine neoplasia type 4. Last evaluated: 2025-10-13. Review status: criteria provided, single submitter. Criteria: Invitae Variant Classification Sherloc (09022015). Collection method: clinical testing. Allele origin: germline.
Comment: This sequence change creates a premature translational stop signal (p.Glu39*) in the CDKN1B gene. It is expected to result in an absent or disrupted protein product. Loss-of-function variants in CDKN1B are known to be pathogenic (PMID: 17030811, 24819502). This variant is not present in population databases (gnomAD no frequency). This variant has not been reported in the literature in individuals affected with CDKN1B-related conditions. ClinVar contains an entry for this variant (Variation ID: 2870557). For these reasons, this variant has been classified as Pathogenic.

Blueprint Genetics
Classification: Likely pathogenic for CDKN1B-related disorders. Last evaluated: 2022-06-29. Review status: criteria provided, single submitter. Criteria: ACMG Guidelines, 2015. Collection method: clinical testing. Allele origin: germline. Affected: yes. Observed: 1 variant allele.

Literature cited by the submitters: PubMed 17030811 (cited by Labcorp Genetics (formerly Invitae), Labcorp); PubMed 24819502 (cited by Labcorp Genetics (formerly Invitae), Labcorp).